The following is an entry in ClinVar:

NM_004944.4(DNASE1L3):c.596del (p.Lys199fs)

Gene: DNASE1L3 (deoxyribonuclease 1L3; minus strand). Cytogenetic location: 3p14.3.
Variant type: Deletion.
Coding change: c.596del on transcript NM_004944.4 (MANE Select); coding-DNA position 596, one base deleted (A; older notation c.596delA).
Protein change: p.Lys199fs; shifts the reading frame from lysine 199.
Molecular consequence: frameshift variant.
Genome position (GRCh38, 1-based): chr3:58,197,929, T deleted on the plus strand (A on the coding strand, the reverse complement: DNASE1L3 is on the minus strand); the first of 2 consecutive T bases (chr3:58,197,929-58,197,930); deleting either gives the same sequence. VCF-style (leftmost placement, unchanged base first): chr3-58197928-CT-C. GRCh37 (hg19) VCF-style: chr3-58183655-CT-C.
Other names: c.506del, p.Lys169fs (NM_001256560.2); short protein forms K199fs, K169fs.
Identifiers: ClinVar variation 2114624 (VCV002114624.4), dbSNP rs2471306330, ClinGen allele CA2580070364.

ClinVar aggregate classification (germline): Pathogenic (1 of 4 stars; one submission).

Submission:

Labcorp Genetics (formerly Invitae), Labcorp
Classification: Pathogenic. Last evaluated: 2024-05-06. Review status: criteria provided, single submitter. Criteria: Invitae Variant Classification Sherloc (09022015). Collection method: clinical testing. Allele origin: germline.
Comment: This sequence change creates a premature translational stop signal (p.Lys199Argfs*9) in the DNASE1L3 gene. It is expected to result in an absent or disrupted protein product. Loss-of-function variants in DNASE1L3 are known to be pathogenic (PMID: 24206041, 27821515). This variant is not present in population databases (gnomAD no frequency). This variant has not been reported in the literature in individuals affected with DNASE1L3-related conditions. ClinVar contains an entry for this variant (Variation ID: 2114624). For these reasons, this variant has been classified as Pathogenic.

Literature cited by the submitters: PubMed 24206041; PubMed 27821515.